The following is an entry in ClinVar:

ClinVar aggregate classification (germline): not provided (0 of 4 stars; one submission).

Allele frequency attached by ClinVar (database versions not stated): gnomAD 0.00001.
gnomAD v4.1: 1 of 152,092 alleles (0.00066%); highest among the groups gnomAD compares: East Asian, 0.019%; no homozygotes.

Submission:

Human Evolutionary Genetics, Institut Pasteur
No classification provided. Review status: no classification provided. Collection method: not provided. Allele origin: germline.
ClinVar note: Converted during submission from untested to not provided.

NM_134444.5(NLRP4):c.-275T>G

Gene: NLRP4 (NLR family pyrin domain containing 4; plus strand). Cytogenetic location: 19q13.43.
Variant type: single nucleotide variant.
Coding change: c.-275T>G on transcript NM_134444.5 (MANE Select); 275 bases upstream of the start codon, T replaced by G.
Molecular consequence: 5 prime UTR variant.
Genome position (GRCh38, 1-based): chr19:55,836,725, T>G. VCF-style: chr19-55836725-T-G. GRCh37 (hg19) VCF-style: chr19-56348091-T-G.
Identifiers: ClinVar variation 103215 (VCV000103215.2), dbSNP rs199475741, ClinGen allele CA230269.
Genomic context (GRCh38, chr19:55,836,725, plus strand): 5'-TCTTGAGGCTGATCGATCACAGCCAGGCCTCTCCATTCTATTTACCCAGCGTTTTCCTTC[T>G]CTCCAGTTAGTGGGGTAGATGAACGCCCTGTGTTTATAAGGTGCCTCCCAGGAGCCTGAG-3'